The following is an entry in ClinVar:

ClinVar aggregate classification (germline): Uncertain significance (1 of 4 stars; one submission).

Submission:

GeneDx
Classification: Uncertain significance. Last evaluated: 2026-03-31. Review status: criteria provided, single submitter. Criteria: GeneDx Variant Classification Process June 2021. Collection method: clinical testing. Allele origin: germline.
Comment: Not observed at significant frequency in large population cohorts (gnomAD); In silico analysis supports that this missense variant has a deleterious effect on protein structure/function; Has not been previously published as pathogenic or benign to our knowledge

NM_001145073.3(USP27X):c.197G>T (p.Arg66Ile)

Gene: USP27X (ubiquitin specific peptidase 27 X-linked; plus strand). Cytogenetic location: Xp11.23.
Variant type: single nucleotide variant.
Coding change: c.197G>T on transcript NM_001145073.3 (MANE Select); coding-DNA position 197, G replaced by T.
Protein change: p.Arg66Ile; replaces arginine 66 with isoleucine.
Molecular consequence: missense variant.
Genome position (GRCh38, 1-based): chrX:49,880,504, G>T. VCF-style: chrX-49880504-G-T. GRCh37 (hg19) VCF-style: chrX-49645107-G-T.
Other names: short protein forms R66I.
Identifiers: ClinVar variation 5017902 (VCV005017902.1).